The following is an entry in ClinVar:

NM_006231.4(POLE):c.4153A>T (p.Asn1385Tyr)

Gene: POLE (DNA polymerase epsilon, catalytic subunit; minus strand). Cytogenetic location: 12q24.33.
Variant type: single nucleotide variant.
Coding change: c.4153A>T on transcript NM_006231.4 (MANE Select); coding-DNA position 4153, A replaced by T.
Protein change: p.Asn1385Tyr; replaces asparagine 1385 with tyrosine.
Molecular consequence: missense variant.
Genome position (GRCh38, 1-based): chr12:132,643,974, T>A on the plus strand (A>T on the coding strand, the complement: POLE is on the minus strand). VCF-style: chr12-132643974-T-A. GRCh37 (hg19) VCF-style: chr12-133220560-T-A.
Other names: short protein forms N1385Y.
Identifiers: ClinVar variation 835018 (VCV000835018.14), dbSNP rs2042217919, ClinGen allele CA387382546.

ClinVar aggregate classification (germline): Uncertain significance. Review status: criteria provided, multiple submitters, no conflicts (2 of 4 stars). 3 submissions from 3 submitters: Uncertain significance (3). Last evaluated 2025-08-07.

Conditions:
Intrauterine growth retardation, metaphyseal dysplasia, adrenal hypoplasia congenita, genital anomalies, and immunodeficiency. Also called: IMAGEI SYNDROME. Identifiers: MedGen C5193036, MONDO:0032684, OMIM 618336.
Facial dysmorphism-immunodeficiency-livedo-short stature syndrome. Also called: Facial dysmorphism, immunodeficiency, livedo, and short stature; FILS syndrome. Identifiers: Orphanet 352712, MedGen C3554576, MONDO:0014058, OMIM 615139.
Colorectal cancer, susceptibility to, 12 (CRCS12). Also called: COLORECTAL CANCER, SUSCEPTIBILITY TO, ON CHROMOSOME 12q24. Identifiers: Orphanet 220460, MedGen C3554460, MONDO:0014038, OMIM 615083.
Hereditary cancer-predisposing syndrome. Also called: Hereditary neoplastic syndrome; Neoplastic Syndromes, Hereditary; Tumor predisposition; Hereditary Cancer Syndrome. Identifiers: Orphanet 140162, MedGen C0027672, MeSH D009386, MONDO:0015356.

Allele frequency attached by ClinVar (database versions not stated): gnomAD exomes below 0.00001.
gnomAD v4.1: 1 of 1,612,854 alleles (0.000062%); highest among the groups gnomAD compares: Non-Finnish European, 0.000085%; no homozygotes.

Submissions (3):

Labcorp Genetics (formerly Invitae), Labcorp
Classification: Uncertain significance. Last evaluated: 2025-08-07. Review status: criteria provided, single submitter. Criteria: Invitae Variant Classification Sherloc (09022015). Collection method: clinical testing. Allele origin: germline.
Comment: This sequence change replaces asparagine, which is neutral and polar, with tyrosine, which is neutral and polar, at codon 1385 of the POLE protein (p.Asn1385Tyr). This variant is not present in population databases (gnomAD no frequency). This variant has not been reported in the literature in individuals affected with POLE-related conditions. ClinVar contains an entry for this variant (Variation ID: 835018). Invitae Evidence Modeling of protein sequence and biophysical properties (such as structural, functional, and spatial information, amino acid conservation, physicochemical variation, residue mobility, and thermodynamic stability) indicates that this missense variant is not expected to disrupt POLE protein function with a negative predictive value of 80%. In summary, the available evidence is currently insufficient to determine the role of this variant in disease. Therefore, it has been classified as a Variant of Uncertain Significance.

Fulgent Genetics
Classification: Uncertain significance for Colorectal cancer, susceptibility to, 12; Facial dysmorphism-immunodeficiency-livedo-short stature syndrome; Intrauterine growth retardation, metaphyseal dysplasia, adrenal hypoplasia congenita, genital anomalies, and immunodeficiency. Last evaluated: 2024-06-15. Review status: criteria provided, single submitter. Criteria: ACMG Guidelines, 2015. Collection method: clinical testing. Allele origin: germline.

Ambry Genetics
Classification: Uncertain significance for Hereditary cancer-predisposing syndrome. Last evaluated: 2024-05-05. Review status: criteria provided, single submitter. Criteria: Ambry Variant Classification Scheme 2023. Collection method: clinical testing. Allele origin: germline.
Comment: The p.N1385Y variant (also known as c.4153A>T), located in coding exon 33 of the POLE gene, results from an A to T substitution at nucleotide position 4153. The asparagine at codon 1385 is replaced by tyrosine, an amino acid with dissimilar properties. This amino acid position is conserved. In addition, this alteration is predicted to be tolerated by in silico analysis. Since supporting evidence is limited at this time, the clinical significance of this alteration remains unclear.